The following is an entry in ClinVar:

ClinVar aggregate classification (germline): Uncertain significance. Review status: criteria provided, multiple submitters, no conflicts (2 of 4 stars). 3 submissions from 3 submitters: Uncertain significance (3). Last evaluated 2026-01-11.

Conditions:
Hereditary cancer-predisposing syndrome. Also called: Tumor predisposition; Neoplastic Syndromes, Hereditary; Hereditary Cancer Syndrome; Hereditary neoplastic syndrome. Identifiers: Orphanet 140162, MedGen C0027672, MeSH D009386, MONDO:0015356.
Fanconi anemia complementation group J. Also called: BRIP1-Related Fanconi Anemia. Identifiers: Orphanet 84, MedGen C1836860, MONDO:0012187, OMIM 609054.
Familial cancer of breast. Also called: BREAST CANCER, FAMILIAL; hereditary breast carcinoma; Hereditary breast cancer. Identifiers: Orphanet 227535, MedGen C0346153, MONDO:0016419, OMIM 114480. Disease mechanism: loss of function.

Submissions (3):

Labcorp Genetics (formerly Invitae), Labcorp
Classification: Uncertain significance for Familial cancer of breast; Fanconi anemia complementation group J. Last evaluated: 2026-01-11. Review status: criteria provided, single submitter. Criteria: Invitae Variant Classification Sherloc (09022015). Collection method: clinical testing. Allele origin: germline.
Comment: This sequence change replaces histidine, which is basic and polar, with tyrosine, which is neutral and polar, at codon 493 of the BRIP1 protein (p.His493Tyr). This variant is not present in population databases (gnomAD no frequency). This variant has not been reported in the literature in individuals affected with BRIP1-related conditions. ClinVar contains an entry for this variant (Variation ID: 489812). Invitae Evidence Modeling of protein sequence and biophysical properties (such as structural, functional, and spatial information, amino acid conservation, physicochemical variation, residue mobility, and thermodynamic stability) has been performed for this missense variant. However, the output from this modeling did not meet the statistical confidence thresholds required to predict the impact of this variant on BRIP1 protein function. In summary, the available evidence is currently insufficient to determine the role of this variant in disease. Therefore, it has been classified as a Variant of Uncertain Significance.

Ambry Genetics
Classification: Uncertain significance for Hereditary cancer-predisposing syndrome. Last evaluated: 2025-07-12. Review status: criteria provided, single submitter. Criteria: Ambry Variant Classification Scheme 2023. Collection method: clinical testing. Allele origin: germline.
Comment: The p.H493Y variant (also known as c.1477C>T), located in coding exon 10 of the BRIP1 gene, results from a C to T substitution at nucleotide position 1477. The histidine at codon 493 is replaced by tyrosine, an amino acid with similar properties. This amino acid position is conserved. In addition, the in silico prediction for this alteration is inconclusive. Based on the available evidence, the clinical significance of this variant remains unclear.

Color Diagnostics, LLC DBA Color Health
Classification: Uncertain significance for Hereditary cancer-predisposing syndrome. Last evaluated: 2024-03-06. Review status: criteria provided, single submitter. Criteria: ACMG Guidelines, 2015. Collection method: clinical testing. Allele origin: germline.
Comment: This missense variant replaces histidine with tyrosine at codon 493 of the BRIP1 protein. Computational prediction suggests that this variant may not impact protein structure and function (internally defined REVEL score threshold <= 0.5, PMID: 27666373). To our knowledge, functional studies have not been reported for this variant. This variant has not been reported in individuals affected with hereditary cancer in the literature. This variant has not been identified in the general population by the Genome Aggregation Database (gnomAD). The available evidence is insufficient to determine the role of this variant in disease conclusively. Therefore, this variant is classified as a Variant of Uncertain Significance.

NM_032043.3(BRIP1):c.1477C>T (p.His493Tyr)

Gene: BRIP1 (BRCA1 interacting DNA helicase 1; minus strand). Cytogenetic location: 17q23.2.
Variant type: single nucleotide variant.
Coding change: c.1477C>T on transcript NM_032043.3 (MANE Select); coding-DNA position 1477, C replaced by T.
Protein change: p.His493Tyr; replaces histidine 493 with tyrosine.
Molecular consequence: missense variant.
Genome position (GRCh38, 1-based): chr17:61,784,421, G>A on the plus strand (C>T on the coding strand, the complement: BRIP1 is on the minus strand). VCF-style: chr17-61784421-G-A. GRCh37 (hg19) VCF-style: chr17-59861782-G-A.
Other names: short protein forms H493Y.
Identifiers: ClinVar variation 489812 (VCV000489812.15), dbSNP rs1555603628, ClinGen allele CA400481772.
Genomic context (GRCh38, chr17:61,784,421, plus strand): 5'-CCTCCTCTTTACCATAAATTGGTGAGATTTTTTCCTCTTTTTGAAGAACAGCAGAAAAAT[G>A]TCCCTATAAGAAATTACCATATTAAGTATAGAGGGGTTGGGAGGGAATTGGAAAAAGAAA-3'
Protein context (NP_114432.2, residues 483-503): TTATFPILQG[His493Tyr]FSAVLQKEEK